The following is an entry in ClinVar:

NM_014946.4(SPAST):c.1303C>A (p.Pro435Thr)

Gene: SPAST (spastin; plus strand). Cytogenetic location: 2p22.3.
Variant type: single nucleotide variant.
Coding change: c.1303C>A on transcript NM_014946.4 (MANE Select); coding-DNA position 1303, C replaced by A.
Protein change: p.Pro435Thr; replaces proline 435 with threonine.
Molecular consequence: missense variant.
Genome position (GRCh38, 1-based): chr2:32,136,620, C>A. VCF-style: chr2-32136620-C-A. GRCh37 (hg19) VCF-style: chr2-32361689-C-A.
Other names: c.1300C>A, p.Pro434Thr (NM_001363823.2); c.1204C>A, p.Pro402Thr (NM_001363875.2); c.1207C>A, p.Pro403Thr (NM_001377959.1, NM_199436.2); short protein forms P402T, P403T, P434T, P435T.
Identifiers: ClinVar variation 1709809 (VCV001709809.2), dbSNP rs1064796279, ClinGen allele CA346502103.

ClinVar aggregate classification (germline): Likely pathogenic (1 of 4 stars; one submission).

Conditions:
Hereditary spastic paraplegia 2 (SPG2). Also called: SPASTIC PARAPLEGIA 2, X-LINKED; Spastic Paraplegia 2 (SPG2). Identifiers: Orphanet 99015, MedGen C0751604, MONDO:0010733, OMIM 312920.

Allele frequency attached by ClinVar (database versions not stated): gnomAD exomes below 0.00001.
gnomAD v4.1: 1 of 1,612,850 alleles (0.000062%); highest among the groups gnomAD compares: Non-Finnish European, 0.000085%; no homozygotes.

Submission:

MGZ Medical Genetics Center
Classification: Likely pathogenic for Hereditary spastic paraplegia 2. Last evaluated: 2021-08-11. Review status: criteria provided, single submitter. Criteria: ACMG Guidelines, 2015. Collection method: clinical testing. Allele origin: germline. Affected: yes. Observed: 1 variant allele.
Comment: ACMG criteria applied: PS4_MOD, PM1, PM5, PM2_SUP, PP3